The following is an entry in ClinVar:

ClinVar aggregate classification (germline): Uncertain significance (1 of 4 stars; one submission).

Allele frequency attached by ClinVar (database versions not stated): gnomAD exomes below 0.00001; gnomAD 0.00001; TOPMed 0.00001.
gnomAD v4.1: 4 of 1,613,650 alleles (0.00025%); highest among the groups gnomAD compares: Middle Eastern, 0.016%; no homozygotes.

Submission:

Labcorp Genetics (formerly Invitae), Labcorp
Classification: Uncertain significance. Last evaluated: 2022-06-20. Review status: criteria provided, single submitter. Criteria: Invitae Variant Classification Sherloc (09022015). Collection method: clinical testing. Allele origin: germline.
Comment: This variant is not present in population databases (gnomAD no frequency). This sequence change replaces arginine, which is basic and polar, with glutamine, which is neutral and polar, at codon 224 of the HELLS protein (p.Arg224Gln). This variant has not been reported in the literature in individuals affected with HELLS-related conditions. Algorithms developed to predict the effect of missense changes on protein structure and function are either unavailable or do not agree on the potential impact of this missense change (SIFT: "Deleterious"; PolyPhen-2: "Probably Damaging"; Align-GVGD: "Class C0"). In summary, the available evidence is currently insufficient to determine the role of this variant in disease. Therefore, it has been classified as a Variant of Uncertain Significance.

NM_018063.5(HELLS):c.671G>A (p.Arg224Gln)

Gene: HELLS (helicase, lymphoid specific; plus strand). Cytogenetic location: 10q23.33.
Variant type: single nucleotide variant.
Coding change: c.671G>A on transcript NM_018063.5 (MANE Select); coding-DNA position 671, G replaced by A.
Protein change: p.Arg224Gln; replaces arginine 224 with glutamine.
Molecular consequence: missense variant. On other transcripts: 5 prime UTR variant (2).
Genome position (GRCh38, 1-based): chr10:94,574,153, G>A. VCF-style: chr10-94574153-G-A. GRCh37 (hg19) VCF-style: chr10-96333910-G-A.
Other names: c.671G>A, p.Arg224Gln (NM_001289067.2, NM_001289069.2, NM_001289070.2 and 1 more transcripts); c.623G>A, p.Arg208Gln (NM_001289068.2); c.299G>A, p.Arg100Gln (NM_001289071.2); c.257G>A, p.Arg86Gln (NM_001289073.2); c.-332G>A (NM_001289074.2); c.-351G>A (NM_001289075.2); short protein forms R208Q, R86Q, R100Q, R224Q.
Identifiers: ClinVar variation 1385656 (VCV001385656.8), dbSNP rs1466354150, ClinGen allele CA377659872.